The following is an entry in ClinVar:

NM_025144.4(ALPK1):c.2206C>T (p.Pro736Ser)

Gene: ALPK1 (alpha kinase 1; plus strand). Cytogenetic location: 4q25.
Variant type: single nucleotide variant.
Coding change: c.2206C>T on transcript NM_025144.4 (MANE Select); coding-DNA position 2206, C replaced by T.
Protein change: p.Pro736Ser; replaces proline 736 with serine.
Molecular consequence: missense variant.
Genome position (GRCh38, 1-based): chr4:112,431,753, C>T. VCF-style: chr4-112431753-C-T. GRCh37 (hg19) VCF-style: chr4-113352909-C-T.
Other names: c.2206C>T, p.Pro736Ser (NM_001102406.2); c.1972C>T, p.Pro658Ser (NM_001253884.2); short protein forms P658S, P736S.
Identifiers: ClinVar variation 2530822 (VCV002530822.6), dbSNP rs752279606, ClinGen allele CA3046875.
Genomic context (GRCh38, chr4:112,431,753, plus strand): 5'-TCATATCGTTCTGCTTCTTGGTCTTCTGATTCTGGTAGGCCCAAGAATATGGGCACACAT[C>T]CTTCAGTCCAAAAAGAAGAAGCCTTTGAAATAATTGTTGAGTTTCCAGAAACCAACTGCG-3'
Protein context (NP_079420.3, residues 726-746): SGRPKNMGTH[Pro736Ser]SVQKEEAFEI

ClinVar aggregate classification (germline): Uncertain significance. Review status: criteria provided, multiple submitters, no conflicts (2 of 4 stars). 2 submissions from 2 submitters: Uncertain significance (2). Last evaluated 2025-11-03.

Conditions:
Inborn genetic diseases. Identifiers: MedGen C0950123, MeSH D030342.

Allele frequency attached by ClinVar (database versions not stated): TOPMed below 0.00001; ExAC 0.00001; gnomAD 0.00002.
gnomAD v4.1: 13 of 1,614,074 alleles (0.00081%); highest among the groups gnomAD compares: East Asian, 0.02%; no homozygotes.

Submissions (2):

Labcorp Genetics (formerly Invitae), Labcorp
Classification: Uncertain significance. Last evaluated: 2025-11-03. Review status: criteria provided, single submitter. Criteria: Invitae Variant Classification Sherloc (09022015). Collection method: clinical testing. Allele origin: germline.
Comment: This sequence change replaces proline, which is neutral and non-polar, with serine, which is neutral and polar, at codon 736 of the ALPK1 protein (p.Pro736Ser). This variant is present in population databases (rs752279606, gnomAD 0.03%). This variant has not been reported in the literature in individuals affected with ALPK1-related conditions. ClinVar contains an entry for this variant (Variation ID: 2530822). Invitae Evidence Modeling of protein sequence and biophysical properties (such as structural, functional, and spatial information, amino acid conservation, physicochemical variation, residue mobility, and thermodynamic stability) indicates that this missense variant is not expected to disrupt ALPK1 protein function with a negative predictive value of 80%. In summary, the available evidence is currently insufficient to determine the role of this variant in disease. Therefore, it has been classified as a Variant of Uncertain Significance.

Ambry Genetics
Classification: Uncertain significance for Inborn genetic diseases. Last evaluated: 2025-10-07. Review status: criteria provided, single submitter. Criteria: Ambry Variant Classification Scheme 2023. Collection method: clinical testing. Allele origin: germline.